The following is an entry in ClinVar:

ClinVar aggregate classification (germline): Likely pathogenic (1 of 4 stars; one submission).

Allele frequency attached by ClinVar (database versions not stated): TOPMed below 0.00001; gnomAD exomes 0.00001; ExAC 0.00002.
gnomAD v4.1: 9 of 1,606,890 alleles (0.00056%); highest among the groups gnomAD compares: East Asian, 0.0023%; no homozygotes.

Submission:

Labcorp Genetics (formerly Invitae), Labcorp
Classification: Likely pathogenic. Last evaluated: 2023-07-28. Review status: criteria provided, single submitter. Criteria: Invitae Variant Classification Sherloc (09022015). Collection method: clinical testing. Allele origin: germline.
Comment: In summary, the currently available evidence indicates that the variant is pathogenic, but additional data are needed to prove that conclusively. Therefore, this variant has been classified as Likely Pathogenic. Advanced modeling of protein sequence and biophysical properties (such as structural, functional, and spatial information, amino acid conservation, physicochemical variation, residue mobility, and thermodynamic stability) performed at Invitae indicates that this missense variant is expected to disrupt EPHB4 protein function. This missense change has been observed in individual(s) with capillary malformations (Invitae). In at least one individual the variant was observed to be de novo. The frequency data for this variant in the population databases is considered unreliable, as metrics indicate poor data quality at this position in the gnomAD database. This sequence change replaces arginine, which is basic and polar, with tryptophan, which is neutral and slightly polar, at codon 508 of the EPHB4 protein (p.Arg508Trp).

NM_004444.5(EPHB4):c.1522C>T (p.Arg508Trp)

Gene: EPHB4 (EPH receptor B4; minus strand). Cytogenetic location: 7q22.1.
Variant type: single nucleotide variant.
Coding change: c.1522C>T on transcript NM_004444.5 (MANE Select); coding-DNA position 1522, C replaced by T.
Protein change: p.Arg508Trp; replaces arginine 508 with tryptophan.
Molecular consequence: missense variant.
Genome position (GRCh38, 1-based): chr7:100,817,258, G>A on the plus strand (C>T on the coding strand, the complement: EPHB4 is on the minus strand). VCF-style: chr7-100817258-G-A. GRCh37 (hg19) VCF-style: chr7-100414880-G-A.
Other names: short protein forms R508W.
Identifiers: ClinVar variation 2781273 (VCV002781273.3), dbSNP rs778138685, ClinGen allele CA4392951.